The following is an entry in ClinVar:

NM_001348323.3(TRIP12):c.4132G>A (p.Val1378Ile)

Gene: TRIP12 (thyroid hormone receptor interactor 12; minus strand). Cytogenetic location: 2q36.3.
Variant type: single nucleotide variant.
Coding change: c.4132G>A on transcript NM_001348323.3 (MANE Select); coding-DNA position 4132, G replaced by A.
Protein change: p.Val1378Ile; replaces valine 1378 with isoleucine.
Molecular consequence: missense variant.
Genome position (GRCh38, 1-based): chr2:229,792,982, C>T on the plus strand (G>A on the coding strand, the complement: TRIP12 is on the minus strand). VCF-style: chr2-229792982-C-T. GRCh37 (hg19) VCF-style: chr2-230657698-C-T.
Other names: c.4051G>A, p.Val1351Ile (NM_001284214.2, NM_001348315.2); c.4006G>A, p.Val1336Ile (NM_001284215.2, NM_001348316.2); c.3097G>A, p.Val1033Ile (NM_001284216.2); c.3991G>A, p.Val1331Ile (NM_001348317.1, NM_001348318.2); c.4117G>A, p.Val1373Ile (NM_001348319.1, NM_001348320.2); c.4120G>A, p.Val1374Ile (NM_001348321.1); c.4132G>A, p.Val1378Ile (NM_001348322.1, NM_001348324.2, NM_001348325.2 and 2 more transcripts); c.4135G>A, p.Val1379Ile (NM_001348328.1, NM_001348329.2, NM_001348330.2); and 4 more; short protein forms V1033I, V1303I, V1304I, V1331I, V1336I, V1344I, V1351I, V1352I.
Identifiers: ClinVar variation 1700294 (VCV001700294.2), dbSNP rs2154260827, ClinGen allele CA350901815.

ClinVar aggregate classification (germline): Uncertain significance (1 of 4 stars; one submission).

Submission:

GeneDx
Classification: Uncertain significance. Last evaluated: 2022-01-29. Review status: criteria provided, single submitter. Criteria: GeneDx Variant Classification Process June 2021. Collection method: clinical testing. Allele origin: germline. Affected: yes.
Comment: Not observed at significant frequency in large population cohorts (gnomAD); In silico analysis supports that this missense variant does not alter protein structure/function; Has not been previously published as pathogenic or benign to our knowledge